The following is an entry in ClinVar:

NM_006493.4(CLN5):c.*292G>A

Gene: CLN5 (CLN5 lysosomal BMP synthase; plus strand). Cytogenetic location: 13q22.3.
Variant type: single nucleotide variant.
Coding change: c.*292G>A on transcript NM_006493.4 (MANE Select); 292 bases downstream of the stop codon, G replaced by A.
Molecular consequence: 3 prime UTR variant.
Genome position (GRCh38, 1-based): chr13:77,001,261, G>A. VCF-style: chr13-77001261-G-A. GRCh37 (hg19) VCF-style: chr13-77575396-G-A.
Other names: c.*292G>A (LRG_692t1); c.*818G>A (NM_001366624.2).
Identifiers: ClinVar variation 312434 (VCV000312434.8), dbSNP rs700363, ClinGen allele CA10643657.
Genomic context (GRCh38, chr13:77,001,261, plus strand): 5'-GAGCCTTTGTTAATATGGAGAATTATGGTTCATATCAGTTATGTAGGACCTTTGGACCCA[G>A]GGTCCTACAGATAGATATGGTGTGCCCAGATTTTAAAAATACCTTCAAAAATAAAAAATA-3'

ClinVar aggregate classification (germline): Benign/Likely benign. Review status: criteria provided, multiple submitters, no conflicts (2 of 4 stars). 3 submissions from 3 submitters: Benign (2); Likely benign (1). Last evaluated 2018-06-19.

Conditions:
Neuronal ceroid lipofuscinosis 5 (CLN5). Also called: CEROID LIPOFUSCINOSIS, NEURONAL, 5, VARIABLE AGE AT ONSET; Neuronal ceroid lipofuscinosis Finnish variant; NEURONAL CEROID LIPOFUSCINOSIS, LATE INFANTILE, FINNISH VARIANT; CLN5-Related Neuronal Ceroid-Lipofuscinosis. Identifiers: Orphanet 168491, Orphanet 228360, MedGen C1850442, MONDO:0009745, OMIM 256731.

Allele frequency attached by ClinVar (database versions not stated): gnomAD exomes 0.08807; gnomAD 0.12838 and 0.12906; TOPMed 0.13905; 1000 Genomes Project 30x 0.17708; 1000 Genomes Project 0.17772.

Submissions (3):

GeneDx
Classification: Benign. Last evaluated: 2018-06-19. Review status: criteria provided, single submitter. Criteria: GeneDx Variant Classification Process June 2021. Collection method: clinical testing. Allele origin: germline. Affected: yes.

Illumina Laboratory Services, Illumina
Classification: Benign for Neuronal ceroid lipofuscinosis 5. Last evaluated: 2018-01-12. Review status: criteria provided, single submitter. Criteria: ICSL Variant Classification Criteria 13 December 2019. Collection method: clinical testing. Allele origin: germline.
Comment: This variant was observed in the ICSL laboratory as part of a predisposition screen in an ostensibly healthy population. It had not been previously curated by ICSL or reported in the Human Gene Mutation Database (HGMD: prior to June 1st, 2018), and was therefore a candidate for classification through an automated scoring system. Utilizing variant allele frequency, disease prevalence and penetrance estimates, and inheritance mode, an automated score was calculated to assess if this variant is too frequent to cause the disease. Based on the score and internal cut-off values, a variant classified as benign is not then subjected to further curation. The score for this variant resulted in a classification of benign for this disease.

Breakthrough Genomics
Classification: Likely benign. Review status: criteria provided, single submitter. Criteria: ACMG Guidelines, 2015. Collection method: not provided. Allele origin: germline. Inheritance: Autosomal recessive inheritance. Affected: yes.